The following is an entry in ClinVar:

ClinVar aggregate classification (germline): Pathogenic (1 of 4 stars; one submission).

Conditions:
Deficiency of hyaluronoglucosaminidase (MPS9). Also called: Mucopolysaccharidosis type 9; HYALURONIDASE DEFICIENCY; MPS IX. Identifiers: Orphanet 67041, MedGen C1291490, MONDO:0011093, OMIM 601492.

gnomAD v4.1: 2 of 1,613,796 alleles (0.00012%); highest among the groups gnomAD compares: Non-Finnish European, 0.00017%; no homozygotes.

Submission:

Labcorp Genetics (formerly Invitae), Labcorp
Classification: Pathogenic for Deficiency of hyaluronoglucosaminidase. Last evaluated: 2022-08-12. Review status: criteria provided, single submitter. Criteria: Invitae Variant Classification Sherloc (09022015). Collection method: clinical testing. Allele origin: germline.
Comment: This sequence change creates a premature translational stop signal (p.Trp199*) in the HYAL1 gene. It is expected to result in an absent or disrupted protein product. Loss-of-function variants in HYAL1 are known to be pathogenic (PMID: 10339581, 21559944). This variant is present in population databases (no rsID available, gnomAD 0.0009%). This variant has not been reported in the literature in individuals affected with HYAL1-related conditions. For these reasons, this variant has been classified as Pathogenic.

Literature cited by the submitters: PubMed 10339581; PubMed 21559944.

NM_033159.4(HYAL1):c.597G>A (p.Trp199Ter)

Gene: HYAL1 (hyaluronidase 1; minus strand). Cytogenetic location: 3p21.31.
Variant type: single nucleotide variant.
Coding change: c.597G>A on transcript NM_033159.4 (MANE Select); coding-DNA position 597, G replaced by A.
Protein change: p.Trp199Ter; replaces tryptophan 199 with a stop codon.
Molecular consequence: nonsense. On other transcripts: non-coding transcript variant (1), intron variant (1).
Genome position (GRCh38, 1-based): chr3:50,302,360, C>T on the plus strand (G>A on the coding strand, the complement: HYAL1 is on the minus strand). VCF-style: chr3-50302360-C-T. GRCh37 (hg19) VCF-style: chr3-50339791-C-T.
Other names: c.597G>A, p.Trp199Ter (NM_007312.3, NM_153281.2, NM_153282.3); c.51G>A, p.Trp17Ter (NM_153283.3); c.-26-155G>A (NM_153285.3); short protein forms W17*, W199*.
Identifiers: ClinVar variation 2023599 (VCV002023599.4), dbSNP rs1553713167, ClinGen allele CA352893393.